The following is an entry in ClinVar:

ClinVar aggregate classification (germline): Uncertain significance (1 of 4 stars; one submission).

Conditions:
Inborn genetic diseases. Identifiers: MedGen C0950123, MeSH D030342.

Submission:

Ambry Genetics
Classification: Uncertain significance for Inborn genetic diseases. Last evaluated: 2023-01-20. Review status: criteria provided, single submitter. Criteria: Ambry Variant Classification Scheme 2023. Collection method: clinical testing. Allele origin: germline.
Comment: The c.434_436delTGG (p.V145del) alteration, located in coding exon 4 of the DNM1 gene, results from an in-frame deletion of 3 nucleotides at positions c.434 to c.436. This results in the deletion of a valine residue at codon 145. This variant was not reported in population-based cohorts in the Genome Aggregation Database (gnomAD). This amino acid position is highly conserved in available vertebrate species. This alteration is predicted to be deleterious by in silico analysis (Choi, 2012). Based on insufficient or conflicting evidence, the clinical significance of this alteration remains unclear.

NM_004408.4(DNM1):c.434_436del (p.Val145del)

Genes: DNM1 (dynamin 1; plus strand), LOC113839516 (Sharpr-MPRA regulatory region 8497; plus strand). Cytogenetic location: 9q34.11.
Variant type: Deletion.
Coding change: c.434_436del on transcript NM_004408.4 (MANE Select); coding-DNA positions 434 to 436, 3 bases deleted (TGG; older notation c.434_436delTGG).
Protein change: p.Val145del; deletes valine 145.
Molecular consequence: inframe deletion.
Genome position (GRCh38, 1-based): chr9:128,219,097-128,219,099, TGG deleted; deleting any 3 consecutive bases within chr9:128,219,095-128,219,099 gives the same sequence; the c. name uses the placement nearest the transcript's 3' end. VCF-style (leftmost placement, unchanged base first): chr9-128219094-CGGT-C. GRCh37 (hg19) VCF-style: chr9-130981373-CGGT-C.
Other names: c.434_436del, p.Val145del (NM_001005336.3, NM_001288737.2, NM_001288738.2 and 2 more transcripts); short protein forms V145del.
Identifiers: ClinVar variation 2230348 (VCV002230348.3), dbSNP rs2538979433, ClinGen allele CA2580079666.